The following is an entry in ClinVar:

ClinVar aggregate classification (germline): Pathogenic. Review status: criteria provided, multiple submitters, no conflicts (2 of 4 stars). 3 submissions from 3 submitters: Pathogenic (3). Last evaluated 2025-08-11.

Conditions:
Ellis-van Creveld syndrome (EVC). Also called: MESOECTODERMAL DYSPLASIA; Chondroectodermal dysplasia. Identifiers: Orphanet 289, MedGen C0013903, MONDO:0009162, OMIM 225500.
Curry-Hall syndrome (WAD). Also called: WEYERS ACRODENTAL DYSOSTOSIS. Identifiers: Orphanet 952, MedGen C0457013, MONDO:0008673, OMIM 193530.

Allele frequency attached by ClinVar (database versions not stated): gnomAD exomes below 0.00001 and 0.00001; TOPMed below 0.00001; ExAC 0.00001.
gnomAD v4.1: 4 of 1,613,650 alleles (0.00025%); highest among the groups gnomAD compares: East Asian, 0.0067%; no homozygotes.

Submissions (3):

Natera, Inc.
Classification: Pathogenic for Ellis-van Creveld syndrome. Last evaluated: 2025-08-11. Review status: criteria provided, single submitter. Criteria: Natera Variant Classification Schema (03/2026). Collection method: clinical testing. Allele origin: germline.
Comment: The c.2014C>T variant in EVC is a nonsense variant predicted to introduce a stop codon at amino acid 672. This variant is expected to result in nonsense mediated decay, truncation, or a dysfunctional protein product. This variant is rare in the general population with a frequency below the threshold expected for the associated phenotype(s). This variant has been observed in one or more individuals affected with the associated recessive disease, as either homozygous or compound heterozygous with a second variant (PMID: 31338997). Given the available evidence, this variant is classified as Pathogenic.

Labcorp Genetics (formerly Invitae), Labcorp
Classification: Pathogenic for Curry-Hall syndrome; Ellis-van Creveld syndrome. Last evaluated: 2023-09-20. Review status: criteria provided, single submitter. Criteria: Invitae Variant Classification Sherloc (09022015). Collection method: clinical testing. Allele origin: germline.
Comment: This sequence change creates a premature translational stop signal (p.Gln672*) in the EVC gene. It is expected to result in an absent or disrupted protein product. Loss-of-function variants in EVC are known to be pathogenic (PMID: 23220543). This variant is present in population databases (rs774949132, gnomAD 0.02%). This premature translational stop signal has been observed in individual(s) with Ellis-van Creveld syndrome (PMID: 31338997). ClinVar contains an entry for this variant (Variation ID: 839382). For these reasons, this variant has been classified as Pathogenic.

Juno Genomics, Hangzhou Juno Genomics, Inc
Classification: Pathogenic for Ellis-van Creveld syndrome. Review status: criteria provided, single submitter. Criteria: ACMG Guidelines, 2015. Collection method: clinical testing. Allele origin: germline.
Comment: Absent from controls (or at extremely low frequency if recessive) in Genome Aggregation Database.;Null variant in a gene where loss of function (LOF) is a known mechanism of disease.;For recessive disorders, detected in trans with a pathogenic variant.

Literature cited by the submitters: PubMed 31338997 (cited by Natera, Inc. and Labcorp Genetics (formerly Invitae), Labcorp); PubMed 23220543 (cited by Labcorp Genetics (formerly Invitae), Labcorp).

NM_153717.3(EVC):c.2014C>T (p.Gln672Ter)

Gene: EVC (EvC ciliary complex subunit 1; plus strand). Cytogenetic location: 4p16.2.
Variant type: single nucleotide variant.
Coding change: c.2014C>T on transcript NM_153717.3 (MANE Select); coding-DNA position 2014, C replaced by T.
Protein change: p.Gln672Ter; replaces glutamine 672 with a stop codon.
Molecular consequence: nonsense.
Genome position (GRCh38, 1-based): chr4:5,797,149, C>T. VCF-style: chr4-5797149-C-T. GRCh37 (hg19) VCF-style: chr4-5798876-C-T.
Other names: c.2014C>T, p.Gln672Ter (NM_001306090.2); short protein forms Q672*.
Identifiers: ClinVar variation 839382 (VCV000839382.13), dbSNP rs774949132, ClinGen allele CA2836347.
Genomic context (GRCh38, chr4:5,797,149, plus strand): 5'-CGCGGCAACGCCCTGGCCACCCTGACGCAGATGCGGCTATCGGGGAAGAAGCACCTCCTG[C>T]AGGAGCTGCGGGAACAGCGTGCACTGGAGCAGGGGTCCTCCCAGTGCCTGGACGAGCATC-3'